The following is an entry in ClinVar:

NM_001330260.2(SCN8A):c.1173C>T (p.Phe391=)

Gene: SCN8A (sodium voltage-gated channel alpha subunit 8; plus strand). Cytogenetic location: 12q13.13.
Variant type: single nucleotide variant.
Coding change: c.1173C>T on transcript NM_001330260.2 (MANE Select); coding-DNA position 1173, C replaced by T.
Protein change: p.Phe391=; no amino-acid change (phenylalanine 391 retained).
Molecular consequence: synonymous variant.
Genome position (GRCh38, 1-based): chr12:51,705,455, C>T. VCF-style: chr12-51705455-C-T. GRCh37 (hg19) VCF-style: chr12-52099239-C-T.
Other names: c.1173C>T, p.Phe391= (NM_001177984.3, NM_001369788.1, NM_014191.4).
Identifiers: ClinVar variation 309352 (VCV000309352.10), dbSNP rs886049582, ClinGen allele CA10641730.
Genomic context (GRCh38, chr12:51,705,455, plus strand): 5'-AAAATGGCCTTTGTCTTTGCAGACTTTACGAGCAGCCGGGAAAACATACATGATCTTCTT[C>T]GTCTTGGTCATCTTTGTGGGTTCTTTCTATCTGGTGAACTTGATCTTGGCTGTGGTGGCC-3'
Protein context (NP_001317189.1, residues 381-401): RAAGKTYMIF[Phe391=]VLVIFVGSFY

ClinVar aggregate classification (germline): Likely benign. Review status: criteria provided, multiple submitters, no conflicts (2 of 4 stars). 2 submissions from 2 submitters: Likely benign (2). Last evaluated 2025-10-26.

Conditions:
Early-infantile DEE. Also called: Early infantile epileptic encephalopathy; Early infantile epileptic encephalopathy with suppression bursts; Ohtahara syndrome. Identifiers: Orphanet 1934, MedGen C0393706, MONDO:0800491.

Allele frequency attached by ClinVar (database versions not stated): TOPMed below 0.00001; gnomAD 0.00003.
gnomAD v4.1: 10 of 1,613,964 alleles (0.00062%); highest among the groups gnomAD compares: Middle Eastern, 0.017%; no homozygotes.

Submissions (2):

Labcorp Genetics (formerly Invitae), Labcorp
Classification: Likely benign for Early-infantile DEE. Last evaluated: 2025-10-26. Review status: criteria provided, single submitter. Criteria: Invitae Variant Classification Sherloc (09022015). Collection method: clinical testing. Allele origin: germline.

GeneDx
Classification: Likely benign. Last evaluated: 2017-05-04. Review status: criteria provided, single submitter. Criteria: GeneDx Variant Classification (06012015). Collection method: clinical testing. Allele origin: germline. Affected: yes.
Comment: This variant is considered likely benign or benign based on one or more of the following criteria: it is a conservative change, it occurs at a poorly conserved position in the protein, it is predicted to be benign by multiple in silico algorithms, and/or has population frequency not consistent with disease.